The following is an entry in ClinVar:

ClinVar aggregate classification (germline): Conflicting classifications of pathogenicity. Review status: criteria provided, conflicting classifications (1 of 4 stars). 2 submissions from 2 submitters: Likely pathogenic (1); Uncertain significance (1). Last evaluated 2024-05-23.

Conditions:
Microcephaly 1, primary, autosomal recessive (MCPH1). Also called: PREMATURE CHROMOSOME CONDENSATION SYNDROME; PCC SYNDROME; PREMATURE CHROMOSOME CONDENSATION WITH MICROCEPHALY AND MENTAL RETARDATION. Identifiers: Orphanet 2512, MedGen C1855081, MONDO:0009617, OMIM 251200.

Allele frequency attached by ClinVar (database versions not stated): ExAC 0.00004; gnomAD exomes 0.00004; TOPMed 0.00005.
gnomAD v4.1: 165 of 1,595,982 alleles (0.01%); highest among the groups gnomAD compares: Non-Finnish European, 0.013%; no homozygotes.

Submissions (2):

Labcorp Genetics (formerly Invitae), Labcorp
Classification: Uncertain significance. Last evaluated: 2024-05-23. Review status: criteria provided, single submitter. Criteria: Invitae Variant Classification Sherloc (09022015). Collection method: clinical testing. Allele origin: germline.
Comment: This sequence change affects a donor splice site in intron 9 of the MCPH1 gene. While this variant is not anticipated to result in nonsense mediated decay, it likely alters RNA splicing and results in a disrupted protein product. This variant is present in population databases (rs752837724, gnomAD 0.008%). This variant has not been reported in the literature in individuals affected with MCPH1-related conditions. Variants that disrupt the consensus splice site are a relatively common cause of aberrant splicing (PMID: 17576681, 9536098). Algorithms developed to predict the effect of sequence changes on RNA splicing suggest that this variant may disrupt the consensus splice site. In summary, the available evidence is currently insufficient to determine the role of this variant in disease. Therefore, it has been classified as a Variant of Uncertain Significance.

Fulgent Genetics
Classification: Likely pathogenic for Microcephaly 1, primary, autosomal recessive. Last evaluated: 2024-03-13. Review status: criteria provided, single submitter. Criteria: ACMG Guidelines, 2015. Collection method: clinical testing. Allele origin: germline.

Literature cited by the submitters: PubMed 17576681 (cited by Labcorp Genetics (formerly Invitae), Labcorp); PubMed 9536098 (cited by Labcorp Genetics (formerly Invitae), Labcorp).

NM_024596.5(MCPH1):c.1935+1G>T

Gene: MCPH1 (microcephalin 1; plus strand). Cytogenetic location: 8p23.1.
Variant type: single nucleotide variant.
Coding change: c.1935+1G>T on transcript NM_024596.5 (MANE Select); the canonical splice donor site of the intron after coding-DNA position 1935, G replaced by T.
Molecular consequence: splice donor variant.
Genome position (GRCh38, 1-based): chr8:6,455,253, G>T. VCF-style: chr8-6455253-G-T. GRCh37 (hg19) VCF-style: chr8-6312774-G-T.
Other names: c.1935+1G>T (NM_001322042.2, NM_001363980.2, NM_001363979.1 and 2 more transcripts).
Identifiers: ClinVar variation 3595806 (VCV003595806.3), dbSNP rs752837724.